The following is an entry in ClinVar:

NM_002529.4(NTRK1):c.544C>G (p.Pro182Ala)

Gene: NTRK1 (neurotrophic receptor tyrosine kinase 1; plus strand). Cytogenetic location: 1q23.1.
Variant type: single nucleotide variant.
Coding change: c.544C>G on transcript NM_002529.4 (MANE Select); coding-DNA position 544, C replaced by G.
Protein change: p.Pro182Ala; replaces proline 182 with alanine.
Molecular consequence: missense variant.
Genome position (GRCh38, 1-based): chr1:156,868,219, C>G. VCF-style: chr1-156868219-C-G. GRCh37 (hg19) VCF-style: chr1-156838011-C-G.
Other names: c.454C>G, p.Pro152Ala (NM_001007792.1); c.544C>G, p.Pro182Ala (NM_001012331.2); short protein forms P152A, P182A.
Identifiers: ClinVar variation 969390 (VCV000969390.10), dbSNP rs755312547, ClinGen allele CA342933973.

ClinVar aggregate classification (germline): Uncertain significance (1 of 4 stars; one submission).

Conditions:
Hereditary insensitivity to pain with anhidrosis (CIPA). Also called: NTRK1 Congenital Insensitivity to Pain with Anhidrosis; FAMILIAL DYSAUTONOMIA, TYPE II; NEUROPATHY, CONGENITAL SENSORY, WITH ANHIDROSIS; hereditary sensory and autonomic neuropathy type 4; HSAN Type IV; INSENSITIVITY TO PAIN, CONGENITAL, WITH ANHIDROSIS. Identifiers: Orphanet 642, MedGen C0020074, MONDO:0009746, OMIM 256800.

Submission:

Labcorp Genetics (formerly Invitae), Labcorp
Classification: Uncertain significance for Hereditary insensitivity to pain with anhidrosis. Last evaluated: 2022-06-03. Review status: criteria provided, single submitter. Criteria: Invitae Variant Classification Sherloc (09022015). Collection method: clinical testing. Allele origin: germline.
Comment: In summary, the available evidence is currently insufficient to determine the role of this variant in disease. Therefore, it has been classified as a Variant of Uncertain Significance. Advanced modeling of protein sequence and biophysical properties (such as structural, functional, and spatial information, amino acid conservation, physicochemical variation, residue mobility, and thermodynamic stability) performed at Invitae indicates that this missense variant is not expected to disrupt NTRK1 protein function. ClinVar contains an entry for this variant (Variation ID: 969390). This variant has not been reported in the literature in individuals affected with NTRK1-related conditions. This variant is not present in population databases (gnomAD no frequency). This sequence change replaces proline, which is neutral and non-polar, with alanine, which is neutral and non-polar, at codon 182 of the NTRK1 protein (p.Pro182Ala).